The following is an entry in ClinVar:

NM_007194.4(CHEK2):c.442A>G (p.Arg148Gly)

Gene: CHEK2 (checkpoint kinase 2; minus strand). Cytogenetic location: 22q12.1.
Variant type: single nucleotide variant.
Coding change: c.442A>G on transcript NM_007194.4 (MANE Select); coding-DNA position 442, A replaced by G.
Protein change: p.Arg148Gly; replaces arginine 148 with glycine.
Molecular consequence: missense variant.
Genome position (GRCh38, 1-based): chr22:28,725,245, T>C on the plus strand (A>G on the coding strand, the complement: CHEK2 is on the minus strand). VCF-style: chr22-28725245-T-C. GRCh37 (hg19) VCF-style: chr22-29121233-T-C.
Other names: c.571A>G, p.Arg191Gly (NM_001005735.3); c.-336A>G (NM_001257387.3); c.442A>G, p.Arg148Gly (NM_001349956.3, NM_145862.3); short protein forms R148G, R191G.
Identifiers: ClinVar variation 233550 (VCV000233550.29), dbSNP rs876660482, ClinGen allele CA10581095.

ClinVar aggregate classification (germline): Uncertain significance. Review status: criteria provided, multiple submitters, no conflicts (2 of 4 stars). 12 submissions from 12 submitters: Uncertain significance (12). Last evaluated 2026-01-06.

Conditions:
Hereditary cancer-predisposing syndrome. Also called: Hereditary Cancer Syndrome; Tumor predisposition; Hereditary neoplastic syndrome; Neoplastic Syndromes, Hereditary. Identifiers: Orphanet 140162, MedGen C0027672, MeSH D009386, MONDO:0015356.
CHEK2-related cancer predisposition (TPDS4). Also called: TUMOR PREDISPOSITION SYNDROME 4; CANCER PREDISPOSITION SYNDROME, CHEK2-RELATED; CHEK2-related cancer susceptibility. Identifiers: Orphanet 524, MedGen C5882668, MONDO:0700271, OMIM 609265.
Familial cancer of breast. Also called: hereditary breast carcinoma; Hereditary breast cancer; BREAST CANCER, FAMILIAL. Identifiers: Orphanet 227535, MedGen C0346153, MONDO:0016419, OMIM 114480. Disease mechanism: loss of function.

Allele frequency attached by ClinVar (database versions not stated): gnomAD exomes below 0.00001.
gnomAD v4.1: 3 of 1,614,138 alleles (0.00019%); highest among the groups gnomAD compares: Non-Finnish European, 0.00025%; no homozygotes.

Submissions 1 to 9 of 12:

Labcorp Genetics (formerly Invitae), Labcorp
Classification: Uncertain significance for Familial cancer of breast. Last evaluated: 2026-01-06. Review status: criteria provided, single submitter. Criteria: Invitae Variant Classification Sherloc (09022015). Collection method: clinical testing. Allele origin: germline.
Comment: This sequence change replaces arginine, which is basic and polar, with glycine, which is neutral and non-polar, at codon 148 of the CHEK2 protein (p.Arg148Gly). This variant is not present in population databases (gnomAD no frequency). This missense change has been observed in individual(s) with a personal and/or family history of breast or ovarian cancer (PMID: 7449874, 31159747, 33925588, 35245693, 38061684, 38075165). ClinVar contains an entry for this variant (Variation ID: 233550). An algorithm developed to predict the effect of missense changes on protein structure and function (PolyPhen-2) suggests that this variant is likely to be disruptive. Experimental studies are conflicting or provide insufficient evidence to determine the effect of this variant on CHEK2 function (PMID: 30851065, 37449874). In summary, the available evidence is currently insufficient to determine the role of this variant in disease. Therefore, it has been classified as a Variant of Uncertain Significance.

Ambry Genetics
Classification: Uncertain significance for Hereditary cancer-predisposing syndrome. Last evaluated: 2025-12-19. Review status: criteria provided, single submitter. Criteria: Ambry Variant Classification Scheme 2023. Collection method: clinical testing. Allele origin: germline.
Comment: The p.R148G variant (also known as c.442A>G), located in coding exon 2 of the CHEK2 gene, results from an A to G substitution at nucleotide position 442. The arginine at codon 148 is replaced by glycine, an amino acid with dissimilar properties. This alteration was identified in 1/52 Greek breast cancer patients (Apostolou P et al. Cancers (Basel), 2021 Apr;13), and has been reported as variant of uncertain significance in 1/1197 individuals from Greece, Romania, and Turkey undergoing evaluation for inherited cancer predisposition (Tsaousis GN et al. BMC Cancer 2019 Jun;19(1):535). This alteration was detected in 1/1054 Hispanic BRCA1/2-negative probands with hereditary breast cancer and 0/1189 controls (Weitzel JN et al. Cancer, 2019 Aug;125:2829-2836), but was reported in 0/60466 breast cancer cases and in 1/53461 controls in another study (Dorling et al. N Engl J Med 2021 02;384:428-439). This alteration behaved as non-functional in an in vivo, yeast-based growth rate assay (Delimitsou A et al. Hum Mutat 2019 05;40(5):631-648). In a study assessing CHEK2-complementation, this alteration was reported as functionally impaired through quantification of KAP1 phosphorylation but functional through quantification of CHK2 autophosphorylation in human RPE1-CHEK2-knockout cells (Stolarova L et al. Clin Cancer Res, 2023 Aug;29:3037-3050). This amino acid position is highly conserved in available vertebrate species. In addition, this alteration is predicted to be deleterious by in silico analysis. Since supporting evidence is limited at this time, the clinical significance of this alteration remains unclear.

Molecular Diagnostics Laboratory, Catalan Institute of Oncology
Classification: Uncertain significance for Hereditary cancer-predisposing syndrome. Last evaluated: 2025-05-21. Review status: criteria provided, single submitter. Criteria: ACMG Guidelines, 2015. Collection method: clinical testing. Allele origin: germline.
Comment: PM1, PM2_Supporting, PP3_Moderate c.442A>G,located in exon3of theCHEK2gene,ispredicted to result in thesubstitution of Arginineby Glycineatcodon148,p.(Arg148Gly). It is located in the FHA-domain (115-175 aa, PM1). This variant is found in 3/1614138 alleles at a frequency of 0.00019% in the gnomAD v4.1.0 database (PM2_Supporting). The SpliceAI algorithm predicts no significant impact on splicing. The REVEL meta-predictor score for this variant (0.850) suggests a deleterious effect on protein function according to Pejaver 2022 thresholds (PMID 36413997) (PP3_Moderate). Functional studies have shown this variant to be damaging in a yeast based DNA damage repair assay (PMID 30851065), and damaging to KAP1 phosphorylation but not to CHEK2 autophosphorylation in a human cell complementation assay (PMID: 37449874). It has been reported in ClinVar, as an uncertain significance variant. Based on the currently available information, c.442A>G is classified as an uncertain significance variant according to ACMG guidelines.

Hema, HEMA – Genetic and Molecular Diagnostic Laboratory
Classification: Uncertain significance for CHEK2-related cancer predisposition. Last evaluated: 2025-05-19. Review status: criteria provided, single submitter. Criteria: HEMA Variant Classification Assertion Criteria. Collection method: clinical testing. Allele origin: germline.
Comment: It is a transition from thymine to cytosine, resulting in the substitution of arginine 148 by glycine. PM2_Supporting: Present at very low frequency in the gnomAD v4.1.0 database. PP3_Moderate: The computational metapredictor REVEL score = 0.85 ≥ 0.773, indicating that the variant would affect the function of the CHEK2 protein.

Color Diagnostics, LLC DBA Color Health
Classification: Uncertain significance for Hereditary cancer-predisposing syndrome. Last evaluated: 2024-07-16. Review status: criteria provided, single submitter. Criteria: ACMG Guidelines, 2015. Collection method: clinical testing. Allele origin: germline.
Comment: This missense variant replaces arginine with glycine at codon 148 of the CHEK2 protein. Computational prediction suggests that this variant may have deleterious impact on protein structure and function. Functional studies have shown this variant to be damaging in a yeast based DNA damage repair assay (PMID: 30851065), and damaging to KAP1 phosphorylation but not to CHEK2 autophosphorylation in a human cell complementation assay (PMID: 37449874). This variant has been reported in individuals affected with breast cancer in the literature (PMID: 31206626, 33925588, 35245693, 38075165, 38061684). In a breast cancer case-control meta-analysis this variant was observed in 3/73048 cases and 1/88568 controls (PMID: 37449874). This variant has not been identified in the general population by the Genome Aggregation Database (gnomAD). The available evidence is insufficient to determine the role of this variant in disease conclusively. Therefore, this variant is classified as a Variant of Uncertain Significance.

Hereditary Cancer Laboratory, Hospital Universitario 12 de Octubre
Classification: Uncertain significance for Hereditary cancer-predisposing syndrome. Last evaluated: 2024-02-28. Review status: criteria provided, single submitter. Criteria: ACMG Guidelines, 2015. Collection method: clinical testing. Allele origin: germline.
Comment: PM2+PP3

Baylor Genetics
Classification: Uncertain significance for Familial cancer of breast. Last evaluated: 2023-10-20. Review status: criteria provided, single submitter. Criteria: ACMG Guidelines, 2015. Collection method: clinical testing. Allele origin: unknown.

Quest Diagnostics Nichols Institute San Juan Capistrano
Classification: Uncertain significance. Last evaluated: 2023-08-16. Review status: criteria provided, single submitter. Criteria: Quest Diagnostics criteria. Collection method: clinical testing. Allele origin: unknown.
Comment: In the published literature, this variant has been reported in individuals with a personal or family history of breast cancer (PMIDs: 35245693 (2022), 33925588 (2021), 31206626 (2019), 31159747 (2019)) as well as a healthy, unaffected individual (PMID: 33471991 (2021)). An experimental yeast based study reports the variant as damaging to the cell's ability to complete DNA repair and complete the cell cycle (PMID: 30851065 (2019)), however further studies are needed to understand the global impact of the variant. This variant has not been reported in large, multi-ethnic general populations (Genome Aggregation Database). Analysis of this variant using bioinformatics tools for the prediction of the effect of amino acid changes on protein structure and function yielded predictions that this variant is damaging. Additional analysis using software algorithms for the prediction of the effect of nucleotide changes on splicing yielded predictions that this variant may affect proper CHEK2 mRNA splicing . Based on the available information, we are unable to determine the clinical significance of this variant.

GeneDx
Classification: Uncertain significance. Last evaluated: 2023-08-14. Review status: criteria provided, single submitter. Criteria: GeneDx Variant Classification Process June 2021. Collection method: clinical testing. Allele origin: germline. Affected: yes.
Comment: Observed in individuals with a personal or family history of breast and/or ovarian cancer, and also in unaffected control groups (Tsaousis et al., 2019; Weitzel et al., 2019; Apostolou et al., 2021; Dorling et al., 2021; Castillo-Guardiola V et al., 2022); In silico analysis supports that this missense variant has a deleterious effect on protein structure/function; Not observed at significant frequency in large population cohorts (gnomAD); Also known as c.571A>G p.(R191G); This variant is associated with the following publications: (PMID: 25318351, 30851065, 22419737, 19782031, 36315097, 31398194, 31206626, 31159747, 35245693, 33471991, 33925588)